The following is an entry in ClinVar:

NM_000260.4(MYO7A):c.160_164del (p.Thr54fs)

Gene: MYO7A (myosin VIIA; plus strand). Cytogenetic location: 11q13.5.
Variant type: Microsatellite.
Coding change: c.160_164del on transcript NM_000260.4 (MANE Select); coding-DNA positions 160 to 164, 5 bases deleted (ACGCA; older notation c.160_164delACGCA).
Protein change: p.Thr54fs; shifts the reading frame from threonine 54.
Molecular consequence: frameshift variant.
Genome position (GRCh38, 1-based): chr11:77,147,825-77,147,829, ACGCA deleted; deleting any 5 consecutive bases within chr11:77,147,819-77,147,829 gives the same sequence; the c. name uses the placement nearest the transcript's 3' end. VCF-style (leftmost placement, unchanged base first): chr11-77147818-GAACGC-G. GRCh37 (hg19) VCF-style: chr11-76858864-GAACGC-G.
Other names: c.160_164del, p.Thr54fs (NM_001127180.2); c.127_131del, p.Thr43fs (NM_001369365.1); short protein forms T43fs, T54fs.
Identifiers: ClinVar variation 4818014 (VCV004818014.2).
Genomic context (GRCh38, chr11:77,147,818, plus strand): 5'-GGGCCCCAGGAGAGCACGCTGACGTTCTGGCTCCCCGCAGGAACACTGGATCTCTCCGCA[GAACGC>G]AACGCACATCAAGCCTATGCACCCCACGTCGGTCCACGGCGTGGAGGACATGATCCGCCT-3'

ClinVar aggregate classification (germline): Pathogenic/Likely pathogenic. Review status: criteria provided, multiple submitters, no conflicts (2 of 4 stars). 2 submissions from 2 submitters: Pathogenic (1); Likely pathogenic (1). Last evaluated 2025-08-22.

Conditions:
Usher syndrome type 1 (USH1). Also called: RETINITIS PIGMENTOSA AND CONGENITAL DEAFNESS. Identifiers: Orphanet 231169, Orphanet 886, MedGen C1568247, MONDO:0010168, OMIM 276900.
Usher syndrome type 1B (USH1B). Also called: Usher syndrome type IB. Identifiers: MedGen C1848638, MONDO:0700087.

Submissions (2):

Natera, Inc.
Classification: Likely pathogenic for Usher syndrome type 1B. Last evaluated: 2025-08-22. Review status: criteria provided, single submitter. Criteria: Natera Variant Classification Schema (03/2026). Collection method: clinical testing. Allele origin: germline.
Comment: The c.160_164delACGCA variant in MYO7A is a frameshift variant predicted to shift the reading frame beginning at codon 54 and leads to a stop codon 84 codons downstream. This variant is expected to result in nonsense mediated decay, truncation, or a dysfunctional protein product. This variant is rare in the general population with a frequency below the threshold expected for the associated phenotype(s). Given the available evidence, this variant is classified as Likely Pathogenic.

Myriad Genetics, Inc.
Classification: Pathogenic for Usher syndrome type 1. Last evaluated: 2023-12-11. Review status: criteria provided, single submitter. Criteria: Myriad Autosomal Dominant, Autosomal Recessive and X-Linked Classification Criteria (2023). Collection method: clinical testing. Allele origin: unknown.
Comment: NM_000260.3(MYO7A):c.160_164del5(T54Hfs*84) is expected to be pathogenic in the context of MYO7A-related disorders. This variant is predicted to lead to an abnormal or absent protein product due to the creation of a premature termination codon in MYO7A, a gene where loss-of-function variants are known to be pathogenic. Please note: this variant was assessed in the context of healthy population screening.